The following is an entry in ClinVar:

NM_001220.5(CAMK2B):c.187C>G (p.Arg63Gly)

Gene: CAMK2B (calcium/calmodulin dependent protein kinase II beta; minus strand). Cytogenetic location: 7p13.
Variant type: single nucleotide variant.
Coding change: c.187C>G on transcript NM_001220.5 (MANE Select); coding-DNA position 187, C replaced by G.
Protein change: p.Arg63Gly; replaces arginine 63 with glycine.
Molecular consequence: missense variant.
Genome position (GRCh38, 1-based): chr7:44,263,038, G>C on the plus strand (C>G on the coding strand, the complement: CAMK2B is on the minus strand). VCF-style: chr7-44263038-G-C. GRCh37 (hg19) VCF-style: chr7-44302637-G-C.
Other names: c.187C>G, p.Arg63Gly (NM_001293170.2, NM_172078.3, NM_172079.3 and 5 more transcripts); short protein forms R63G.
Identifiers: ClinVar variation 3603138 (VCV003603138.1).

ClinVar aggregate classification (germline): Uncertain significance (1 of 4 stars; one submission).

gnomAD v4.1: 1 of 1,613,694 alleles (0.000062%); highest among the groups gnomAD compares: Non-Finnish European, 0.000085%; no homozygotes.

Submission:

GeneDx
Classification: Uncertain significance. Last evaluated: 2024-08-05. Review status: criteria provided, single submitter. Criteria: GeneDx Variant Classification Process June 2021. Collection method: clinical testing. Allele origin: germline. Affected: yes.
Comment: Not observed at significant frequency in large population cohorts (gnomAD); In silico analysis supports that this missense variant has a deleterious effect on protein structure/function; Has not been previously published as pathogenic or benign to our knowledge